The following is an entry in ClinVar:

ClinVar aggregate classification (germline): Likely benign. Review status: reviewed by expert panel (3 of 4 stars). 3 submissions from 3 submitters: Likely benign (1). 2 of the submissions do not count toward it. Last evaluated 2017-06-29.

Conditions:
Hereditary cancer-predisposing syndrome. Also called: Tumor predisposition; Hereditary Cancer Syndrome; Hereditary neoplastic syndrome; Neoplastic Syndromes, Hereditary. Identifiers: Orphanet 140162, MedGen C0027672, MeSH D009386, MONDO:0015356.
Hereditary breast ovarian cancer syndrome. Also called: Breast and ovarian cancer; Hereditary breast and ovarian cancer syndrome; Hereditary breast and ovarian cancer; BRCA1- and BRCA2-Associated Hereditary Breast and Ovarian Cancer; Hereditary breast and ovarian cancer syndrome (HBOC); Hereditary breast and/or ovarian cancer syndrome. Identifiers: Orphanet 145, MedGen C0677776, MeSH D061325, MONDO:0003582. Disease mechanism: loss of function.
Breast-ovarian cancer, familial, susceptibility to, 2 (BROVCA2). Also called: BRCA2 Hereditary Breast and Ovarian Cancer. Identifiers: Orphanet 145, MedGen C2675520, MONDO:0012933, OMIM 612555. Disease mechanism: loss of function.

Allele frequency attached by ClinVar (database versions not stated): gnomAD exomes below 0.00001.
gnomAD v4.1: 1 of 1,613,342 alleles (0.000062%); highest among the groups gnomAD compares: Non-Finnish European, 0.000085%; no homozygotes.

Submissions (3):

Evidence-based Network for the Interpretation of Germline Mutant Alleles (ENIGMA)
Classification: Likely benign for Breast-ovarian cancer, familial, susceptibility to, 2. Last evaluated: 2017-06-29. Review status: reviewed by expert panel. Criteria: ENIGMA BRCA1/2 Classification Criteria (2017-06-29). Collection method: curation. Allele origin: germline.
Comment: Synonymous substitution variant, with low bioinformatic likelihood to result in a splicing aberration (Splicing prior probability 0.02).

Labcorp Genetics (formerly Invitae), Labcorp
Classification: Likely benign for Hereditary breast ovarian cancer syndrome. Last evaluated: 2022-06-15. Review status: criteria provided, single submitter. Criteria: Invitae Variant Classification Sherloc (09022015). Collection method: clinical testing. Allele origin: germline. Not counted in ClinVar's aggregate classification.

Ambry Genetics
Classification: Likely benign for Hereditary cancer-predisposing syndrome. Last evaluated: 2019-10-08. Review status: criteria provided, single submitter. Criteria: Ambry Variant Classification Scheme 2023. Collection method: clinical testing. Allele origin: germline. Not counted in ClinVar's aggregate classification.

NM_000059.4(BRCA2):c.7830G>A (p.Val2610=)

Gene: BRCA2 (BRCA2 DNA repair associated; plus strand). Cytogenetic location: 13q13.1.
Variant type: single nucleotide variant.
Coding change: c.7830G>A on transcript NM_000059.4 (MANE Select); coding-DNA position 7830, G replaced by A.
Protein change: p.Val2610=; no amino-acid change (valine 2610 retained).
Molecular consequence: synonymous variant.
Genome position (GRCh38, 1-based): chr13:32,362,547, G>A. VCF-style: chr13-32362547-G-A. GRCh37 (hg19) VCF-style: chr13-32936684-G-A.
Identifiers: ClinVar variation 184632 (VCV000184632.12), dbSNP rs786201583, ClinGen allele CA025303.